The following is an entry in ClinVar:

NM_003900.5(SQSTM1):c.1156C>T (p.Leu386Phe)

Gene: SQSTM1 (sequestosome 1; plus strand). Cytogenetic location: 5q35.3.
Variant type: single nucleotide variant.
Coding change: c.1156C>T on transcript NM_003900.5 (MANE Select); coding-DNA position 1156, C replaced by T.
Protein change: p.Leu386Phe; replaces leucine 386 with phenylalanine.
Molecular consequence: missense variant.
Genome position (GRCh38, 1-based): chr5:179,833,773, C>T. VCF-style: chr5-179833773-C-T. GRCh37 (hg19) VCF-style: chr5-179260773-C-T.
Other names: c.904C>T, p.Leu302Phe (NM_001142298.2, NM_001142299.2); short protein forms L302F, L386F.
Identifiers: ClinVar variation 3758619 (VCV003758619.2).

ClinVar aggregate classification (germline): Uncertain significance (1 of 4 stars; one submission).

Conditions:
Frontotemporal dementia and/or amyotrophic lateral sclerosis 1 (FTDALS1). Also called: Frontotemporal dementia with motor neuron disease 1; C9orf72 Frontotemporal Dementia and/or Amyotrophic Lateral Sclerosis. Identifiers: Orphanet 275872, MedGen C5779877, MONDO:0007105, OMIM 105550.
Paget disease of bone 2, early-onset (PDB2). Also called: Paget disease of bone 2. Identifiers: MedGen C4085251, MONDO:0011183, OMIM 602080.

gnomAD v4.1: 1 of 1,614,110 alleles (0.000062%); highest among the groups gnomAD compares: East Asian, 0.0022%; no homozygotes.

Submission:

Labcorp Genetics (formerly Invitae), Labcorp
Classification: Uncertain significance for Paget disease of bone 2, early-onset; Frontotemporal dementia and/or amyotrophic lateral sclerosis 1. Last evaluated: 2024-11-27. Review status: criteria provided, single submitter. Criteria: Invitae Variant Classification Sherloc (09022015). Collection method: clinical testing. Allele origin: germline.
Comment: This sequence change replaces leucine, which is neutral and non-polar, with phenylalanine, which is neutral and non-polar, at codon 386 of the SQSTM1 protein (p.Leu386Phe). This variant is not present in population databases (gnomAD no frequency). This variant has not been reported in the literature in individuals affected with SQSTM1-related conditions. Invitae Evidence Modeling of protein sequence and biophysical properties (such as structural, functional, and spatial information, amino acid conservation, physicochemical variation, residue mobility, and thermodynamic stability) indicates that this missense variant is expected to disrupt SQSTM1 protein function with a positive predictive value of 80%. In summary, the available evidence is currently insufficient to determine the role of this variant in disease. Therefore, it has been classified as a Variant of Uncertain Significance.